The following is an entry in ClinVar:

NM_001374838.1(FOXL3):c.397G>A (p.Gly133Ser)

Gene: FOXL3 (forkhead box L3; plus strand). Cytogenetic location: 7p22.3.
Variant type: single nucleotide variant.
Coding change: c.397G>A on transcript NM_001374838.1 (MANE Select); coding-DNA position 397, G replaced by A.
Protein change: p.Gly133Ser; replaces glycine 133 with serine.
Molecular consequence: missense variant.
Genome position (GRCh38, 1-based): chr7:291,183, G>A. VCF-style: chr7-291183-G-A. GRCh37 (hg19) VCF-style: chr7-331149-G-A.
Other names: short protein forms G133S.
Identifiers: ClinVar variation 1330590 (VCV001330590.7), dbSNP rs2115225775, ClinGen allele CA2573052859.

ClinVar aggregate classification (germline): Uncertain significance (1 of 4 stars; one submission).

Submission:

ARUP Laboratories, Molecular Genetics and Genomics, ARUP Laboratories
Classification: Uncertain significance. Last evaluated: 2021-08-15. Review status: criteria provided, single submitter. Criteria: ARUP Molecular Germline Variant Investigation Process 2021. Collection method: clinical testing. Allele origin: germline.
Comment: The p.Gly133Ser variant, to our knowledge, has not been reported in the medical literature or gene specific databases. Based on the available information, the clinical significance of this variant is uncertain.